The following is an entry in ClinVar:

ClinVar aggregate classification (germline): Pathogenic (0 of 4 stars; one submission).

Conditions:
Pyruvate dehydrogenase E1-alpha deficiency (PDHAD). Also called: ATAXIA, INTERMITTENT, WITH PYRUVATE DEHYDROGENASE DEFICIENCY; ATAXIA WITH LACTIC ACIDOSIS I; ATAXIA, INTERMITTENT, WITH ABNORMAL PYRUVATE METABOLISM; Ataxia, intermittent, with pyruvate dehydrogenase, or decarboxylase, deficiency. Identifiers: Orphanet 79243, MedGen C1839413, MONDO:0010717, OMIM 312170.

Submission:

PDHA1 Study Group, University Children’s Hospital, Paracelsus Medical University
Classification: Pathogenic for Pyruvate dehydrogenase E1-alpha deficiency. Last evaluated: 2024-10-15. Review status: no assertion criteria provided. Collection method: research. Allele origin: germline. Affected: yes. Observed: 1 variant allele.
Comment: The NM_000284.3:c.513_759+2del (p.?) variant affects splicing in PDHA1 gene. The variant has been reported in 1 published case (PMIDs: 10679936). Last literature search: July 12, 2024. This variant is absent or extremely rare in population-based cohorts in the Genome Aggregation Database (gnomAD). Individuals harboring this variant presented with clinical features compatible with PDHA1-related PDHc deficiency. In summary, this variant meets criteria to be classified as pathogenic (P) for PDHA1-related PDHc deficiency based on the ACMG/AMP criteria applied: PVS1, PS3, PM2, PM4, PM7 (last assessment October 15, 2024).

Literature cited by the submitters: PubMed 10679936; DOI 10.1093/brain/awaf430.

NM_000284.4(PDHA1):c.513_759+2del

Gene: PDHA1 (pyruvate dehydrogenase E1 subunit alpha 1; plus strand). Cytogenetic location: Xp22.12.
Variant type: Deletion.
Coding change: c.513_759+2del on transcript NM_000284.4 (MANE Select); coding-DNA position 513 through the canonical splice donor site of the intron after coding-DNA position 759, 1,014 bases deleted.
Molecular consequence: splice acceptor variant, splice donor variant.
Genome position (GRCh38, 1-based): chrX:19,354,493-19,355,506, 1,014 bases deleted. GRCh37 (hg19): chrX:19,372,611-19,373,624.
Other names: c.627_873+2del (NM_001173454.2); c.534_780+2del (NM_001173455.2); c.511-856_666+2del (NM_001173456.2).
Identifiers: ClinVar variation 4070336 (VCV004070336.1).